The following is an entry in ClinVar:

ClinVar aggregate classification (germline): Likely benign (0 of 4 stars; one submission).

Conditions:
STOX1-related disorder. Also called: STOX1-related condition.

Allele frequency attached by ClinVar (database versions not stated): gnomAD 0.00005; TOPMed 0.00008; gnomAD exomes 0.00010; 1000 Genomes Project 30x 0.00016; ExAC 0.00016; 1000 Genomes Project 0.00020.
gnomAD v4.1: 158 of 1,613,832 alleles (0.0098%); highest among the groups gnomAD compares: Middle Eastern, 0.53%; no homozygotes.

Submission:

PreventionGenetics, part of Exact Sciences
Classification: Likely benign for STOX1-related condition. Last evaluated: 2019-02-21. Review status: no assertion criteria provided. Collection method: clinical testing. Allele origin: germline.
Comment: This variant is classified as likely benign based on ACMG/AMP sequence variant interpretation guidelines (Richards et al. 2015 PMID: 25741868, with internal and published modifications).

NM_152709.5(STOX1):c.777A>G (p.Pro259=)

Gene: STOX1 (storkhead box 1; plus strand). Cytogenetic location: 10q22.1.
Variant type: single nucleotide variant.
Coding change: c.777A>G on transcript NM_152709.5 (MANE Select); coding-DNA position 777, A replaced by G.
Protein change: p.Pro259=; no amino-acid change (proline 259 retained).
Molecular consequence: synonymous variant. On other transcripts: intron variant (2).
Genome position (GRCh38, 1-based): chr10:68,884,573, A>G. VCF-style: chr10-68884573-A-G. GRCh37 (hg19) VCF-style: chr10-70644329-A-G.
Other names: c.777A>G, p.Pro259= (NM_001130161.4); c.663+114A>G (NM_001130159.3); c.463+2463A>G (NM_001130160.3).
Identifiers: ClinVar variation 3040924 (VCV003040924.2), dbSNP rs200497618, ClinGen allele CA5528045.
Genomic context (GRCh38, chr10:68,884,573, plus strand): 5'-CCACTGTCAGTCTTGCCAGTGTTTCCGGGACATGCACACTCAGGATGTTCAGGAAGCACC[A>G]GTTGCTGCAGAAGTGACTAGGAAGAGTCACAGAGGTCTTGGGGAATCCGTATCTTGGGTA-3'
Protein context (NP_689922.3, residues 249-269): DMHTQDVQEA[Pro259=]VAAEVTRKSH